The following is an entry in ClinVar:

NM_018896.5(CACNA1G):c.3509G>A (p.Ser1170Asn)

Gene: CACNA1G (calcium voltage-gated channel subunit alpha1 G; plus strand). Cytogenetic location: 17q21.33.
Variant type: single nucleotide variant.
Coding change: c.3509G>A on transcript NM_018896.5 (MANE Select); coding-DNA position 3509, G replaced by A.
Protein change: p.Ser1170Asn; replaces serine 1170 with asparagine.
Molecular consequence: missense variant. On other transcripts: non-coding transcript variant (5).
Genome position (GRCh38, 1-based): chr17:50,599,678, G>A. VCF-style: chr17-50599678-G-A. GRCh37 (hg19) VCF-style: chr17-48677039-G-A.
Other names: c.3509G>A, p.Ser1170Asn (NM_001256324.2, NM_001256325.2, NM_001256326.2 and 16 more transcripts); c.3440G>A, p.Ser1147Asn (NM_001256332.2, NM_198376.3, NM_198379.3 and 5 more transcripts); short protein forms S1147N, S1170N.
Identifiers: ClinVar variation 3768429 (VCV003768429.1).

ClinVar aggregate classification (germline): Uncertain significance (1 of 4 stars; one submission).

Submission:

Women's Health and Genetics/Laboratory Corporation of America, LabCorp
Classification: Uncertain significance. Last evaluated: 2024-12-24. Review status: criteria provided, single submitter. Criteria: LabCorp Variant Classification Summary - May 2015. Collection method: clinical testing. Allele origin: germline.
Comment: Variant summary: CACNA1G c.3509G>A (p.Ser1170Asn) results in a conservative amino acid change in the encoded protein sequence. Three of five in-silico tools predict a benign effect of the variant on protein function. The variant allele was found at a frequency of 4.1e-06 in 245852 control chromosomes. The available data on variant occurrences in the general population are insufficient to allow any conclusion about variant significance. To our knowledge, no occurrence of c.3509G>A in individuals affected with Spinocerebellar Ataxia Type 42 and no experimental evidence demonstrating its impact on protein function have been reported. No submitters have cited clinical-significance assessments for this variant to ClinVar. Based on the evidence outlined above, the variant was classified as uncertain significance.